The following is an entry in ClinVar:

ClinVar aggregate classification (germline): Pathogenic (1 of 4 stars; one submission).

Submission:

Labcorp Genetics (formerly Invitae), Labcorp
Classification: Pathogenic. Last evaluated: 2022-12-27. Review status: criteria provided, single submitter. Criteria: Invitae Variant Classification Sherloc (09022015). Collection method: clinical testing. Allele origin: germline.
Comment: For these reasons, this variant has been classified as Pathogenic. This variant has not been reported in the literature in individuals affected with RUSC2-related conditions. This variant is not present in population databases (gnomAD no frequency). This sequence change creates a premature translational stop signal (p.Gln106Hisfs*7) in the RUSC2 gene. It is expected to result in an absent or disrupted protein product. Loss-of-function variants in RUSC2 are known to be pathogenic (PMID: 27612186).

Literature cited by the submitters: PubMed 27612186.

NM_014806.5(RUSC2):c.314_317dup (p.Gln106fs)

Gene: RUSC2 (RUN and SH3 domain containing 2; plus strand). Cytogenetic location: 9p13.3.
Variant type: Duplication.
Coding change: c.314_317dup on transcript NM_014806.5 (MANE Select); coding-DNA positions 314 to 317, 4 bases duplicated (TGCA; older notation c.314_317dupTGCA).
Protein change: p.Gln106fs; shifts the reading frame from glutamine 106.
Molecular consequence: frameshift variant. On other transcripts: non-coding transcript variant (1), intron variant (1).
Genome position (GRCh38, 1-based): chr9:35,546,835-35,546,838, TGCA duplicated. VCF-style (leftmost placement, unchanged base first): chr9-35546834-C-CTGCA. GRCh37 (hg19) VCF-style: chr9-35546831-C-CTGCA.
Other names: c.314_317dup, p.Gln106fs (NM_001135999.2); c.-620-8225_-620-8222dup (NM_001330740.2); short protein forms Q106fs.
Identifiers: ClinVar variation 2824519 (VCV002824519.3), dbSNP rs2490379655, ClinGen allele CA2739269205.